The following is an entry in ClinVar:

NM_001384732.1(CPLANE1):c.8930A>G (p.His2977Arg)

Gene: CPLANE1 (ciliogenesis and planar polarity effector complex subunit 1; minus strand). Cytogenetic location: 5p13.2.
Variant type: single nucleotide variant.
Coding change: c.8930A>G on transcript NM_001384732.1 (MANE Select); coding-DNA position 8930, A replaced by G.
Protein change: p.His2977Arg; replaces histidine 2977 with arginine.
Molecular consequence: missense variant.
Genome position (GRCh38, 1-based): chr5:37,125,272, T>C on the plus strand (A>G on the coding strand, the complement: CPLANE1 is on the minus strand). VCF-style: chr5-37125272-T-C. GRCh37 (hg19) VCF-style: chr5-37125374-T-C.
Other names: c.8768A>G, p.His2923Arg (NM_023073.4); short protein forms H2923R, H2977R.
Identifiers: ClinVar variation 1443342 (VCV001443342.7), dbSNP rs767695592, ClinGen allele CA3237628.

ClinVar aggregate classification (germline): Uncertain significance. Review status: criteria provided, multiple submitters, no conflicts (2 of 4 stars). 2 submissions from 2 submitters: Uncertain significance (2). Last evaluated 2024-06-14.

Conditions:
Orofaciodigital syndrome type 6 (OFD6). Also called: OROFACIODIGITAL SYNDROME VI; OFDS VI; POLYDACTYLY, CLEFT LIP/PALATE OR LINGUAL LUMP, AND PSYCHOMOTOR RETARDATION; VARADI SYNDROME; VARADI-PAPP SYNDROME; Oral-facial-digital syndrome type 6. Identifiers: Orphanet 2754, MedGen C2745997, MONDO:0010176, OMIM 277170.
Joubert syndrome 17 (JBTS17). Identifiers: Orphanet 475, MedGen C3553264, MONDO:0013824, OMIM 614615.

Allele frequency attached by ClinVar (database versions not stated): ExAC 0.00001; gnomAD exomes 0.00001 and 0.00004; gnomAD 0.00003 and 0.00004; TOPMed 0.00003.
gnomAD v4.1: 70 of 1,613,858 alleles (0.0043%); highest among the groups gnomAD compares: Non-Finnish European, 0.0055%; no homozygotes.

Submissions (2):

Labcorp Genetics (formerly Invitae), Labcorp
Classification: Uncertain significance. Last evaluated: 2024-06-14. Review status: criteria provided, single submitter. Criteria: Invitae Variant Classification Sherloc (09022015). Collection method: clinical testing. Allele origin: germline.
Comment: This sequence change replaces histidine, which is basic and polar, with arginine, which is basic and polar, at codon 2923 of the CPLANE1 protein (p.His2923Arg). The frequency data for this variant in the population databases is considered unreliable, as metrics indicate poor data quality at this position in the gnomAD database. This variant has not been reported in the literature in individuals affected with CPLANE1-related conditions. ClinVar contains an entry for this variant (Variation ID: 1443342). Advanced modeling of protein sequence and biophysical properties (such as structural, functional, and spatial information, amino acid conservation, physicochemical variation, residue mobility, and thermodynamic stability) performed at Invitae indicates that this missense variant is not expected to disrupt CPLANE1 protein function with a negative predictive value of 95%. In summary, the available evidence is currently insufficient to determine the role of this variant in disease. Therefore, it has been classified as a Variant of Uncertain Significance.

Fulgent Genetics
Classification: Uncertain significance for Orofaciodigital syndrome type 6; Joubert syndrome 17. Last evaluated: 2022-05-15. Review status: criteria provided, single submitter. Criteria: ACMG Guidelines, 2015. Collection method: clinical testing. Allele origin: unknown.